The following is an entry in ClinVar:

NM_005566.4(LDHA):c.631_632dup (p.Leu211_Lys212insTer)

Gene: LDHA (lactate dehydrogenase A; plus strand). Cytogenetic location: 11p15.1.
Variant type: Microsatellite.
Coding change: c.631_632dup on transcript NM_005566.4 (MANE Select); coding-DNA positions 631 to 632, 2 bases duplicated (CT; older notation c.631_632dupCT).
Protein change: p.Leu211_Lys212insTer.
Molecular consequence: frameshift variant. On other transcripts: non-coding transcript variant (1).
Genome position (GRCh38, 1-based): chr11:18,403,732-18,403,733, CT duplicated; duplicating any 2 consecutive bases within chr11:18,403,727-18,403,733 gives the same sequence; the c. name uses the placement nearest the transcript's 3' end. VCF-style (leftmost placement, unchanged base first): chr11-18403726-G-GTC. GRCh37 (hg19) VCF-style: chr11-18425273-G-GTC.
Other names: c.457_458dup, p.Leu153_Lys154insTer (NM_001135239.2); c.718_719dup, p.Leu240_Lys241insTer (NM_001165414.2); c.631_632dup, p.Leu211_Lys212insTer (NM_001165415.2, NM_001165416.2).
Identifiers: ClinVar variation 2848332 (VCV002848332.3), dbSNP rs1440890027, ClinGen allele CA2739276279.

ClinVar aggregate classification (germline): Pathogenic (1 of 4 stars; one submission).

Conditions:
Glycogen storage disease due to lactate dehydrogenase M-subunit deficiency (GSD11). Also called: Glycogen storage disease XI; GSD XI; LACTATE DEHYDROGENASE A DEFICIENCY. Identifiers: Orphanet 284426, MedGen C2931743, MONDO:0013047, OMIM 612933.

Submission:

Labcorp Genetics (formerly Invitae), Labcorp
Classification: Pathogenic for Glycogen storage disease due to lactate dehydrogenase M-subunit deficiency. Last evaluated: 2025-03-31. Review status: criteria provided, single submitter. Criteria: Invitae Variant Classification Sherloc (09022015). Collection method: clinical testing. Allele origin: germline.
Comment: This sequence change creates a premature translational stop signal (p.Lys212*) in the LDHA gene. It is expected to result in an absent or disrupted protein product. Loss-of-function variants in LDHA are known to be pathogenic (PMID: 1959923). This variant is not present in population databases (gnomAD no frequency). This variant has not been reported in the literature in individuals affected with LDHA-related conditions. For these reasons, this variant has been classified as Pathogenic.

Literature cited by the submitters: PubMed 1959923.